The following is an entry in ClinVar:

ClinVar aggregate classification (germline): Likely benign (1 of 4 stars; one submission).

Conditions:
MDFIC-related disorder. Also called: MDFIC-related condition.

gnomAD v4.1: 1 of 1,269,856 alleles (0.000079%); highest among the groups gnomAD compares: African/African-American, 0.0015%; no homozygotes.

Submission:

PreventionGenetics, part of Exact Sciences
Classification: Likely benign for MDFIC-related condition. Last evaluated: 2025-07-03. Review status: criteria provided, single submitter. Criteria: ACMG Guidelines, 2015. Collection method: clinical testing. Allele origin: germline.
Comment: This variant is classified as likely benign based on ACMG/AMP sequence variant interpretation guidelines (Richards et al. 2015 PMID: 25741868, with internal and published modifications).

NM_001166345.3(MDFIC):c.-145G>A

Genes: MDFIC (MyoD family inhibitor domain containing; plus strand), LOC129999151 (ATAC-STARR-seq lymphoblastoid silent region 18550; plus strand). Cytogenetic location: 7q31.1.
Variant type: single nucleotide variant.
Coding change: c.-145G>A on transcript NM_001166345.3 (MANE Select); 145 bases upstream of the start codon, G replaced by A.
Molecular consequence: 5 prime UTR variant. On other transcripts: synonymous variant (2).
Genome position (GRCh38, 1-based): chr7:114,922,599, G>A. VCF-style: chr7-114922599-G-A. GRCh37 (hg19) VCF-style: chr7-114562654-G-A.
Other names: c.183G>A, p.Arg61= (NM_001166346.1, NM_199072.5).
Identifiers: ClinVar variation 4998009 (VCV004998009.1).